The following is an entry in ClinVar:

NM_000683.4(ADRA2C):c.1167C>T (p.Gly389=)

Gene: ADRA2C (adrenoceptor alpha 2C; plus strand). Cytogenetic location: 4p16.3.
Variant type: single nucleotide variant.
Coding change: c.1167C>T on transcript NM_000683.4 (MANE Select); coding-DNA position 1167, C replaced by T.
Protein change: p.Gly389=; no amino-acid change (glycine 389 retained).
Molecular consequence: synonymous variant.
Genome position (GRCh38, 1-based): chr4:3,767,773, C>T. VCF-style: chr4-3767773-C-T. GRCh37 (hg19) VCF-style: chr4-3769500-C-T.
Identifiers: ClinVar variation 3060026 (VCV003060026.2), dbSNP rs7434630, ClinGen allele CA2830382.

ClinVar aggregate classification (germline): Benign (0 of 4 stars; one submission).

Conditions:
ADRA2C-related disorder. Also called: ADRA2C-related condition.

Allele frequency attached by ClinVar (database versions not stated): gnomAD exomes 0.06403; ExAC 0.09313; gnomAD 0.14800; TOPMed 0.15998; ESP Exome Variant Server 0.16292; 1000 Genomes Project 0.18970; 1000 Genomes Project 30x 0.19347.
gnomAD v4.1: 117,276 of 1,613,018 alleles (7.3%); highest among the groups gnomAD compares: African/African-American, 39%; 9,093 homozygotes.

Submission:

PreventionGenetics, part of Exact Sciences
Classification: Benign for ADRA2C-related condition. Last evaluated: 2019-10-24. Review status: no assertion criteria provided. Collection method: clinical testing. Allele origin: germline.
Comment: This variant is classified as benign based on ACMG/AMP sequence variant interpretation guidelines (Richards et al. 2015 PMID: 25741868, with internal and published modifications).